The following is an entry in ClinVar:

ClinVar aggregate classification (germline): Pathogenic (1 of 4 stars; one submission).

Submission:

Baylor Genetics
Classification: Pathogenic. Last evaluated: 2018-11-01. Review status: criteria provided, single submitter. Criteria: ACMG CNV Guidelines, 2011. Collection method: clinical testing. Allele origin: germline. Affected: no. Observed: 1 variant allele.
Comment: This 16p13.11 microduplication is associated with varied clinical features including behavioral abnormalities, cognitive impairment, congenital heart defects and skeletal manifestations [PMID:21150890]

GRCh37/hg19 16p13.11(chr16:15034210-16199736)

Genes: ABCC1 (ATP binding cassette subfamily C member 1 (ABCC1 blood group); plus strand), BMERB1 (bMERB domain containing 1; plus strand), CEP20 (centrosomal protein 20; minus strand), MARF1 (meiosis regulator and mRNA stability factor 1; minus strand), MPV17L (MPV17 mitochondrial inner membrane protein like; plus strand) and 7 more. Cytogenetic location: 16p13.11.
Variant type: copy number gain.
Identifiers: ClinVar variation 625660 (VCV000625660.1).